The following is an entry in ClinVar:

ClinVar aggregate classification (germline): Uncertain significance (1 of 4 stars; one submission).

gnomAD v4.1: 9 of 1,614,070 alleles (0.00056%); highest among the groups gnomAD compares: Middle Eastern, 0.033%; no homozygotes.

Submission:

Labcorp Genetics (formerly Invitae), Labcorp
Classification: Uncertain significance. Last evaluated: 2024-02-02. Review status: criteria provided, single submitter. Criteria: Invitae Variant Classification Sherloc (09022015). Collection method: clinical testing. Allele origin: germline.
Comment: This sequence change replaces methionine, which is neutral and non-polar, with threonine, which is neutral and polar, at codon 387 of the FOCAD protein (p.Met387Thr). This variant is present in population databases (rs768526873, gnomAD 0.0009%). This variant has not been reported in the literature in individuals affected with FOCAD-related conditions. Algorithms developed to predict the effect of missense changes on protein structure and function output the following: SIFT: "Not Available"; PolyPhen-2: "Not Available"; Align-GVGD: "Not Available". The threonine amino acid residue is found in multiple mammalian species, which suggests that this missense change does not adversely affect protein function. In summary, the available evidence is currently insufficient to determine the role of this variant in disease. Therefore, it has been classified as a Variant of Uncertain Significance.

NM_001375567.1(FOCAD):c.1160T>C (p.Met387Thr)

Gene: FOCAD (focadhesin; plus strand). Cytogenetic location: 9p21.3.
Variant type: single nucleotide variant.
Coding change: c.1160T>C on transcript NM_001375567.1 (MANE Select); coding-DNA position 1160, T replaced by C.
Protein change: p.Met387Thr; replaces methionine 387 with threonine.
Molecular consequence: missense variant.
Genome position (GRCh38, 1-based): chr9:20,781,892, T>C. VCF-style: chr9-20781892-T-C. GRCh37 (hg19) VCF-style: chr9-20781891-T-C.
Other names: c.1160T>C, p.Met387Thr (NM_001375568.1, NM_017794.5); c.1055T>C, p.Met352Thr (NM_001375570.1); short protein forms M387T, M352T.
Identifiers: ClinVar variation 3631440 (VCV003631440.2).